The following is an entry in ClinVar:

NM_005120.3(MED12):c.103_138del (p.Glu35_Asn46del)

Gene: MED12 (mediator complex subunit 12; plus strand). Cytogenetic location: Xq13.1.
Variant type: Deletion.
Coding change: c.103_138del on transcript NM_005120.3 (MANE Select); coding-DNA positions 103 to 138, 36 bases deleted.
Protein change: p.Glu35_Asn46del.
Molecular consequence: inframe deletion.
Genome position (GRCh38, 1-based): chrX:71,119,376-71,119,411, 36 bases deleted; deleting any 36 consecutive bases within chrX:71,119,374-71,119,411 gives the same sequence; the c. name uses the placement nearest the transcript's 3' end. GRCh37 (hg19): chrX:70,339,226-70,339,261.
Identifiers: ClinVar variation 92200 (VCV000092200.2), dbSNP rs199469678, ClinGen allele CA145529.

ClinVar aggregate classification (germline): not provided (0 of 4 stars; one submission).

Conditions:
Uterine leiomyoma (UL). Also called: Uterine corpus leiomyoma. Identifiers: MedGen C0042133, MONDO:0007886, OMIM 150699, HP:0000131.

Submission:

Rajkovic Lab, University of Pittsburgh
No classification provided. Condition: Leiomyoma, uterine. Review status: no classification provided. Collection method: not provided. Allele origin: somatic.
ClinVar note: Converted during submission from Associated with leiomyomas to not provided.